The following is an entry in ClinVar:

NM_003000.3(SDHB):c.444_445delinsTCTATGG (p.Gln149fs)

Gene: SDHB (succinate dehydrogenase complex iron sulfur subunit B; minus strand). Cytogenetic location: 1p36.13.
Variant type: Indel.
Coding change: c.444_445delinsTCTATGG on transcript NM_003000.3 (MANE Select); coding-DNA positions 444 to 445, AC replaced by TCTATGG.
Protein change: p.Gln149fs; shifts the reading frame from glutamine 149.
Molecular consequence: frameshift variant.
Genome position (GRCh38, 1-based): chr1:17,027,844-17,027,845, GT replaced by CCATAGA on the plus strand (AC replaced by TCTATGG on the coding strand, the reverse complement: SDHB is on the minus strand). VCF-style: chr1-17027844-GT-CCATAGA. GRCh37 (hg19) VCF-style: chr1-17354339-GT-CCATAGA.
Other names: c.390_391delinsTCTATGG, p.Gln131fs (NM_001407361.1); short protein forms Q149fs, Q131fs.
Identifiers: ClinVar variation 3316892 (VCV003316892.2).
Genomic context (GRCh38, chr1:17,027,844, plus strand): 5'-GCTGCTTGCCTTCCTGAGATTCATCCTTCTTCTTCAAATAAGGCTCAATGGATTTGTACT[GT>CCATAGA]GCATAGAAGTTGCTCAAATCCTGTGGTTAAGAGGAAGAAGAAGAAGAAGAAGAAGAAAAG-3'

ClinVar aggregate classification (germline): Pathogenic. Review status: criteria provided, multiple submitters, no conflicts (2 of 4 stars). 2 submissions from 2 submitters: Pathogenic (2). Last evaluated 2024-10-23.

Conditions:
Hereditary cancer-predisposing syndrome. Also called: Tumor predisposition; Hereditary Cancer Syndrome; Neoplastic Syndromes, Hereditary; Hereditary neoplastic syndrome. Identifiers: Orphanet 140162, MedGen C0027672, MeSH D009386, MONDO:0015356.
Pheochromocytoma/paraganglioma syndrome 4. Also called: CAROTID BODY TUMORS AND MULTIPLE EXTRAADRENAL PHEOCHROMOCYTOMAS; PARAGANGLIOMA, FAMILIAL MALIGNANT; PARAGANGLIOMAS, HEREDITARY EXTRAADRENAL; PHEOCHROMOCYTOMA, FAMILIAL EXTRAADRENAL; Paragangliomas 4; SDHB-Related Hereditary Paraganglioma-Pheochromocytoma Syndrome (Paragangliomas 4). Identifiers: Orphanet 29072, MedGen C1861848, MONDO:0007273, OMIM 115310.

Submissions (2):

Myriad Genetics, Inc.
Classification: Pathogenic for Pheochromocytoma/paraganglioma syndrome 4. Last evaluated: 2024-10-23. Review status: criteria provided, single submitter. Criteria: Myriad Autosomal Dominant, Autosomal Recessive and X-Linked Classification Criteria (2023). Collection method: clinical testing. Allele origin: unknown.
Comment: This variant is considered pathogenic. This variant creates a frameshift predicted to result in premature protein truncation.

Ambry Genetics
Classification: Pathogenic for Hereditary cancer-predisposing syndrome. Last evaluated: 2024-05-13. Review status: criteria provided, single submitter. Criteria: Ambry Variant Classification Scheme 2023. Collection method: clinical testing. Allele origin: germline.
Comment: The c.444_445delACinsTCTATGG pathogenic mutation, located in coding exon 5 of the SDHB gene, results from the deletion of two nucleotides and insertion of 7 nucleotides causing a translational frameshift with a predicted alternate stop codon (p.Q149Lfs*11). This variant is considered to be rare based on population cohorts in the Genome Aggregation Database (gnomAD). This alteration is expected to result in loss of function by premature protein truncation or nonsense-mediated mRNA decay. As such, this alteration is interpreted as a disease-causing mutation.